The following is an entry in ClinVar:

NM_001627.4(ALCAM):c.1362C>T (p.Ser454=)

Gene: ALCAM (activated leukocyte cell adhesion molecule; plus strand). Cytogenetic location: 3q13.11.
Variant type: single nucleotide variant.
Coding change: c.1362C>T on transcript NM_001627.4 (MANE Select); coding-DNA position 1362, C replaced by T.
Protein change: p.Ser454=; no amino-acid change (serine 454 retained).
Molecular consequence: synonymous variant.
Genome position (GRCh38, 1-based): chr3:105,547,511, C>T. VCF-style: chr3-105547511-C-T. GRCh37 (hg19) VCF-style: chr3-105266355-C-T.
Other names: c.1362C>T, p.Ser454= (NM_001243280.2, NM_001243281.2).
Identifiers: ClinVar variation 789937 (VCV000789937.17), dbSNP rs145462175, ClinGen allele CA2524205.

ClinVar aggregate classification (germline): Benign/Likely benign. Review status: criteria provided, multiple submitters, no conflicts (2 of 4 stars). 2 submissions from 2 submitters: Benign (1); Likely benign (1). Last evaluated 2025-04-01.

Allele frequency attached by ClinVar (database versions not stated): 1000 Genomes Project 0.00100; ESP Exome Variant Server 0.00108; 1000 Genomes Project 30x 0.00125; TOPMed 0.00150; gnomAD 0.00153 and 0.00162; gnomAD exomes 0.00174 and 0.00187; ExAC 0.00179.
gnomAD v4.1: 2,788 of 1,606,412 alleles (0.17%); highest among the groups gnomAD compares: East Asian, 0.3%; 13 homozygotes.

Submissions (2):

CeGaT Center for Human Genetics Tuebingen
Classification: Likely benign. Last evaluated: 2025-04-01. Review status: criteria provided, single submitter. Criteria: CeGaT Center For Human Genetics Tuebingen Variant Classification Criteria Version 2. Collection method: clinical testing. Allele origin: germline. Affected: yes. Observed: 2 variant alleles.
Comment: ALCAM: BP4, BP7, BS2

Labcorp Genetics (formerly Invitae), Labcorp
Classification: Benign. Last evaluated: 2019-12-31. Review status: criteria provided, single submitter. Criteria: Invitae Variant Classification Sherloc (09022015). Collection method: clinical testing. Allele origin: germline.